The following is an entry in ClinVar:

NM_014727.3(KMT2B):c.1423A>G (p.Thr475Ala)

Gene: KMT2B (lysine methyltransferase 2B; plus strand). Cytogenetic location: 19q13.12.
Variant type: single nucleotide variant.
Coding change: c.1423A>G on transcript NM_014727.3 (MANE Select); coding-DNA position 1423, A replaced by G.
Protein change: p.Thr475Ala; replaces threonine 475 with alanine.
Molecular consequence: missense variant.
Genome position (GRCh38, 1-based): chr19:35,720,770, A>G. VCF-style: chr19-35720770-A-G. GRCh37 (hg19) VCF-style: chr19-36211672-A-G.
Other names: short protein forms T475A.
Identifiers: ClinVar variation 2576751 (VCV002576751.1), dbSNP rs1050214389, ClinGen allele CA307782888.

ClinVar aggregate classification (germline): Uncertain significance (1 of 4 stars; one submission).

Allele frequency attached by ClinVar (database versions not stated): gnomAD exomes below 0.00001.
gnomAD v4.1: 2 of 1,476,942 alleles (0.00014%); highest among the groups gnomAD compares: Non-Finnish European, 0.00018%; no homozygotes.

Submission:

GeneDx
Classification: Uncertain significance. Last evaluated: 2023-02-21. Review status: criteria provided, single submitter. Criteria: GeneDx Variant Classification Process June 2021. Collection method: clinical testing. Allele origin: germline. Affected: yes.
Comment: Not observed at significant frequency in large population cohorts (gnomAD); In silico analysis supports that this missense variant does not alter protein structure/function; Has not been previously published as pathogenic or benign to our knowledge